The following is an entry in ClinVar:

NM_000440.3(PDE6A):c.717+5G>A

Gene: PDE6A (phosphodiesterase 6A; minus strand). Cytogenetic location: 5q32.
Variant type: single nucleotide variant.
Coding change: c.717+5G>A on transcript NM_000440.3 (MANE Select); 5 bases into the intron after coding-DNA position 717, G replaced by A.
Molecular consequence: intron variant.
Genome position (GRCh38, 1-based): chr5:149,933,925, C>T on the plus strand (G>A on the coding strand, the complement: PDE6A is on the minus strand). VCF-style: chr5-149933925-C-T. GRCh37 (hg19) VCF-style: chr5-149313488-C-T.
Identifiers: ClinVar variation 864640 (VCV000864640.5), dbSNP rs369249828, ClinGen allele CA3504979.

ClinVar aggregate classification (germline): Uncertain significance (1 of 4 stars; one submission).

Allele frequency attached by ClinVar (database versions not stated): ExAC 0.00002; gnomAD exomes 0.00003 and 0.00004; gnomAD 0.00006 and 0.00007; TOPMed 0.00007; ESP Exome Variant Server 0.00015.
gnomAD v4.1: 57 of 1,610,296 alleles (0.0035%); highest among the groups gnomAD compares: Middle Eastern, 0.066%; 1 homozygote.

Submission:

Labcorp Genetics (formerly Invitae), Labcorp
Classification: Uncertain significance. Last evaluated: 2022-10-17. Review status: criteria provided, single submitter. Criteria: Invitae Variant Classification Sherloc (09022015). Collection method: clinical testing. Allele origin: germline.
Comment: This sequence change falls in intron 3 of the PDE6A gene. It does not directly change the encoded amino acid sequence of the PDE6A protein. It affects a nucleotide within the consensus splice site. This variant is present in population databases (rs369249828, gnomAD 0.02%). This variant has not been reported in the literature in individuals affected with PDE6A-related conditions. ClinVar contains an entry for this variant (Variation ID: 864640). Variants that disrupt the consensus splice site are a relatively common cause of aberrant splicing (PMID: 17576681, 9536098). Algorithms developed to predict the effect of sequence changes on RNA splicing suggest that this variant is not likely to affect RNA splicing. In summary, the available evidence is currently insufficient to determine the role of this variant in disease. Therefore, it has been classified as a Variant of Uncertain Significance.

Literature cited by the submitters: PubMed 17576681; PubMed 9536098.